The following is an entry in ClinVar:

ClinVar aggregate classification (germline): Uncertain significance (1 of 4 stars; one submission).

gnomAD v4.1: 2 of 1,602,556 alleles (0.00012%); highest among the groups gnomAD compares: Admixed American, 0.0035%; no homozygotes.

Submission:

Women's Health and Genetics/Laboratory Corporation of America, LabCorp
Classification: Uncertain significance. Last evaluated: 2025-05-14. Review status: criteria provided, single submitter. Criteria: LabCorp Variant Classification Summary - May 2015. Collection method: clinical testing. Allele origin: germline.
Comment: Variant summary: DDX6 c.*6A>C is located in the untranslated mRNA region downstream of the termination codon. The variant allele was found at a frequency of 8.4e-06 in 237592 control chromosomes (gnomAD). The available data on variant occurrences in the general population are insufficient to allow any conclusion about variant significance. To our knowledge, no occurrence of c.*6A>C in individuals affected with Intellectual Developmental Disorder With Impaired Language And Dysmorphic Facies and no experimental evidence demonstrating its impact on protein function have been reported. No submitters have cited clinical-significance assessments for this variant to ClinVar. Based on the evidence outlined above, the variant was classified as uncertain significance.

NM_004397.6(DDX6):c.*6A>C

Gene: DDX6 (DEAD-box helicase 6; minus strand). Cytogenetic location: 11q23.3.
Variant type: single nucleotide variant.
Coding change: c.*6A>C on transcript NM_004397.6 (MANE Select); 6 bases downstream of the stop codon, A replaced by C.
Molecular consequence: 3 prime UTR variant.
Genome position (GRCh38, 1-based): chr11:118,754,706, T>G on the plus strand (A>C on the coding strand, the complement: DDX6 is on the minus strand). VCF-style: chr11-118754706-T-G. GRCh37 (hg19) VCF-style: chr11-118625415-T-G.
Other names: c.*6A>C (NM_001257191.3, NM_001425145.1, NM_001425146.1 and 8 more transcripts).
Identifiers: ClinVar variation 3902197 (VCV003902197.1).